The following is an entry in ClinVar:

NM_182931.3(KMT2E):c.1417C>T (p.Arg473Cys)

Gene: KMT2E (lysine methyltransferase 2E (inactive); plus strand). Cytogenetic location: 7q22.3.
Variant type: single nucleotide variant.
Coding change: c.1417C>T on transcript NM_182931.3 (MANE Select); coding-DNA position 1417, C replaced by T.
Protein change: p.Arg473Cys; replaces arginine 473 with cysteine.
Molecular consequence: missense variant.
Genome position (GRCh38, 1-based): chr7:105,090,067, C>T. VCF-style: chr7-105090067-C-T. GRCh37 (hg19) VCF-style: chr7-104730514-C-T.
Other names: c.1417C>T, p.Arg473Cys (NM_001410908.1, NM_018682.4); short protein forms R473C.
Identifiers: ClinVar variation 2090067 (VCV002090067.21), dbSNP rs369391239, ClinGen allele CA4423989.
Genomic context (GRCh38, chr7:105,090,067, plus strand): 5'-AGTAAGTACAAGGTGGACTGTGCATGCCTCAAAGAAAACCCAGAGTGCCCTGTTCTAAAA[C>T]GTAGTTCTGAATCCATGGAAAATATCAATAGTGGTTATGAGACCAGACGGAAAAAAGGAA-3'
Protein context (NP_891847.1, residues 463-483): KENPECPVLK[Arg473Cys]SSESMENINS

ClinVar aggregate classification (germline): Uncertain significance. Review status: criteria provided, multiple submitters, no conflicts (2 of 4 stars). 2 submissions from 2 submitters: Uncertain significance (2). Last evaluated 2024-07-01.

Allele frequency attached by ClinVar (database versions not stated): TOPMed 0.00001; ExAC 0.00002; ESP Exome Variant Server 0.00008.
gnomAD v4.1: 11 of 1,613,602 alleles (0.00068%); highest among the groups gnomAD compares: South Asian, 0.0022%; no homozygotes.

Submissions (2):

CeGaT Center for Human Genetics Tuebingen
Classification: Uncertain significance. Last evaluated: 2024-07-01. Review status: criteria provided, single submitter. Criteria: CeGaT Center For Human Genetics Tuebingen Variant Classification Criteria Version 2. Collection method: clinical testing. Allele origin: germline. Affected: yes. Observed: 1 variant allele.

Labcorp Genetics (formerly Invitae), Labcorp
Classification: Uncertain significance. Last evaluated: 2023-01-30. Review status: criteria provided, single submitter. Criteria: Invitae Variant Classification Sherloc (09022015). Collection method: clinical testing. Allele origin: germline.
Comment: This sequence change replaces arginine, which is basic and polar, with cysteine, which is neutral and slightly polar, at codon 473 of the KMT2E protein (p.Arg473Cys). This variant is present in population databases (rs369391239, gnomAD 0.003%). This variant has not been reported in the literature in individuals affected with KMT2E-related conditions. Advanced modeling of protein sequence and biophysical properties (such as structural, functional, and spatial information, amino acid conservation, physicochemical variation, residue mobility, and thermodynamic stability) performed at Invitae indicates that this missense variant is not expected to disrupt KMT2E protein function. In summary, the available evidence is currently insufficient to determine the role of this variant in disease. Therefore, it has been classified as a Variant of Uncertain Significance.